The following is an entry in ClinVar:

NM_001283009.2(RTEL1):c.3553C>T (p.Leu1185Phe)

Genes: RTEL1 (regulator of telomere elongation helicase 1; plus strand), RTEL1-TNFRSF6B (RTEL1-TNFRSF6B readthrough (NMD candidate); plus strand). Cytogenetic location: 20q13.33.
Variant type: single nucleotide variant.
Coding change: c.3553C>T on transcript NM_001283009.2 (MANE Select); coding-DNA position 3553, C replaced by T.
Protein change: p.Leu1185Phe; replaces leucine 1185 with phenylalanine.
Molecular consequence: missense variant. On other transcripts: non-coding transcript variant (1).
Genome position (GRCh38, 1-based): chr20:63,695,381, C>T. VCF-style: chr20-63695381-C-T. GRCh37 (hg19) VCF-style: chr20-62326734-C-T.
Other names: c.2884C>T, p.Leu962Phe (NM_001283010.1); c.3553C>T, p.Leu1185Phe (NM_016434.4); c.3625C>T, p.Leu1209Phe (NM_032957.5); c.3625C>T (NM_032957.4); short protein forms L1185F, L1209F, L962F.
Identifiers: ClinVar variation 1021255 (VCV001021255.10), dbSNP rs1439323475, ClinGen allele CA409685680.

ClinVar aggregate classification (germline): Uncertain significance. Review status: criteria provided, multiple submitters, no conflicts (2 of 4 stars). 3 submissions from 3 submitters: Uncertain significance (3). Last evaluated 2025-03-25.

Conditions:
Inborn genetic diseases. Identifiers: MedGen C0950123, MeSH D030342.
RTEL1-related disorder. Also called: RTEL1-related disorders; RTEL1-related condition.
Pulmonary fibrosis and/or bone marrow failure, Telomere-related, 3. Also called: PULMONARY FIBROSIS AND/OR BONE MARROW FAILURE SYNDROME, TELOMERE-RELATED, 3. Identifiers: Orphanet 2032, MedGen C4225346, MONDO:0014613, OMIM 616373.
Dyskeratosis congenita, autosomal recessive 5 (DKCB5). Identifiers: MedGen C3554656, MONDO:0014076, OMIM 615190.

Allele frequency attached by ClinVar (database versions not stated): TOPMed 0.00001; gnomAD below 0.00001 and 0.00001; gnomAD exomes below 0.00001.
gnomAD v4.1: 3 of 1,554,662 alleles (0.00019%); highest among the groups gnomAD compares: South Asian, 0.0025%; no homozygotes.

Submissions (3):

Ambry Genetics
Classification: Uncertain significance for Inborn genetic diseases. Last evaluated: 2025-03-25. Review status: criteria provided, single submitter. Criteria: Ambry Variant Classification Scheme 2023. Collection method: clinical testing. Allele origin: germline.
Comment: The p.L1185F variant (also known as c.3553C>T), located in coding exon 33 of the RTEL1 gene, results from a C to T substitution at nucleotide position 3553. The leucine at codon 1185 is replaced by phenylalanine, an amino acid with highly similar properties. This amino acid position is conserved. In addition, this alteration is predicted to be tolerated by in silico analysis. Based on the available evidence, the clinical significance of this variant remains unclear.

Labcorp Genetics (formerly Invitae), Labcorp
Classification: Uncertain significance for Dyskeratosis congenita, autosomal recessive 5; Pulmonary fibrosis and/or bone marrow failure, Telomere-related, 3. Last evaluated: 2024-11-11. Review status: criteria provided, single submitter. Criteria: Invitae Variant Classification Sherloc (09022015). Collection method: clinical testing. Allele origin: germline.
Comment: This sequence change replaces leucine, which is neutral and non-polar, with phenylalanine, which is neutral and non-polar, at codon 1185 of the RTEL1 protein (p.Leu1185Phe). This variant is not present in population databases (gnomAD no frequency). This variant has not been reported in the literature in individuals affected with RTEL1-related conditions. ClinVar contains an entry for this variant (Variation ID: 1021255). An algorithm developed to predict the effect of missense changes on protein structure and function outputs the following: PolyPhen-2: "Benign". The phenylalanine amino acid residue is found in multiple mammalian species, which suggests that this missense change does not adversely affect protein function. In summary, the available evidence is currently insufficient to determine the role of this variant in disease. Therefore, it has been classified as a Variant of Uncertain Significance.

PreventionGenetics, part of Exact Sciences
Classification: Uncertain significance for RTEL1-related condition. Last evaluated: 2024-11-03. Review status: criteria provided, single submitter. Criteria: ACMG Guidelines, 2015. Collection method: clinical testing. Allele origin: germline.
Comment: The RTEL1 c.3625C>T variant is predicted to result in the amino acid substitution p.Leu1209Phe. To our knowledge, this variant has not been reported in the literature or in a large population database (gnomAD), indicating this variant is rare. At this time, the clinical significance of this variant is uncertain due to the absence of conclusive functional and genetic evidence.